The following is an entry in ClinVar:

ClinVar aggregate classification (germline): Uncertain significance (1 of 4 stars; one submission).

Allele frequency attached by ClinVar (database versions not stated): TOPMed 0.00001.

Submission:

Labcorp Genetics (formerly Invitae), Labcorp
Classification: Uncertain significance. Last evaluated: 2021-07-14. Review status: criteria provided, single submitter. Criteria: Invitae Variant Classification Sherloc (09022015). Collection method: clinical testing. Allele origin: germline.
Comment: This sequence change creates a premature translational stop signal (p.Gln230*) in the TRAP1 gene. It is expected to result in an absent or disrupted protein product. However, the current clinical and genetic evidence is not sufficient to establish whether loss-of-function variants in TRAP1 cause disease. This variant is not present in population databases (ExAC no frequency). This variant has not been reported in the literature in individuals affected with TRAP1-related conditions. In summary, the available evidence is currently insufficient to determine the role of this variant in disease. Therefore, it has been classified as a Variant of Uncertain Significance.

NM_016292.3(TRAP1):c.688C>T (p.Gln230Ter)

Gene: TRAP1 (TNF receptor associated protein 1; minus strand). Cytogenetic location: 16p13.3.
Variant type: single nucleotide variant.
Coding change: c.688C>T on transcript NM_016292.3 (MANE Select); coding-DNA position 688, C replaced by T.
Protein change: p.Gln230Ter; replaces glutamine 230 with a stop codon.
Molecular consequence: nonsense.
Genome position (GRCh38, 1-based): chr16:3,677,514, G>A on the plus strand (C>T on the coding strand, the complement: TRAP1 is on the minus strand). VCF-style: chr16-3677514-G-A. GRCh37 (hg19) VCF-style: chr16-3727515-G-A.
Other names: c.529C>T, p.Gln177Ter (NM_001272049.2); short protein forms Q177*, Q230*.
Identifiers: ClinVar variation 1362952 (VCV001362952.6), dbSNP rs867558133, ClinGen allele CA277004631.